The following is an entry in ClinVar:

ClinVar aggregate classification (germline): Likely benign. Review status: criteria provided, multiple submitters, no conflicts (2 of 4 stars). 2 submissions from 2 submitters: Likely benign (2). Last evaluated 2025-07-01.

Conditions:
IFT140-related disorder. Also called: IFT140-related condition.
Saldino-Mainzer syndrome (SRTD9). Also called: SHORT-RIB THORACIC DYSPLASIA 9 WITHOUT POLYDACTYLY; CONORENAL SYNDROME; short-rib thoracic dysplasia 9 with or without polydactyly; Renal dysplasia, retinal pigmentary dystrophy, cerebellar ataxia and skeletal dysplasia. Identifiers: Orphanet 140969, MedGen C1849437, MONDO:0009964, OMIM 266920.

Allele frequency attached by ClinVar (database versions not stated): ExAC 0.00001; gnomAD exomes 0.00001.

Submissions (2):

PreventionGenetics, part of Exact Sciences
Classification: Likely benign for IFT140-related condition. Last evaluated: 2025-07-01. Review status: criteria provided, single submitter. Criteria: ACMG Guidelines, 2015. Collection method: clinical testing. Allele origin: germline.
Comment: This variant is classified as likely benign based on ACMG/AMP sequence variant interpretation guidelines (Richards et al. 2015 PMID: 25741868, with internal and published modifications).

Labcorp Genetics (formerly Invitae), Labcorp
Classification: Likely benign for Saldino-Mainzer syndrome. Last evaluated: 2025-06-17. Review status: criteria provided, single submitter. Criteria: Invitae Variant Classification Sherloc (09022015). Collection method: clinical testing. Allele origin: germline.

NM_014714.4(IFT140):c.2200-10T>C

Gene: IFT140 (intraflagellar transport 140; minus strand). Cytogenetic location: 16p13.3.
Variant type: single nucleotide variant.
Coding change: c.2200-10T>C on transcript NM_014714.4 (MANE Select); 10 bases into the intron before coding-DNA position 2200, T replaced by C.
Molecular consequence: intron variant.
Genome position (GRCh38, 1-based): chr16:1,558,144, A>G on the plus strand (T>C on the coding strand, the complement: IFT140 is on the minus strand). VCF-style: chr16-1558144-A-G. GRCh37 (hg19) VCF-style: chr16-1608145-A-G.
Other names: c.2200-10T>C (NM_014714.3).
Identifiers: ClinVar variation 2161485 (VCV002161485.5), dbSNP rs767482797, ClinGen allele CA7813962.
Genomic context (GRCh38, chr16:1,558,144, plus strand): 5'-GATGTGGTGGCACCCAGGCTCCACCTCGTCTTCTCTGTCTGCTTCTTCGGGCTAAATGAC[A>G]AAGGACCCATGTGTTTGTTAATTCATATGTAAAGCTGAAGCCCTCACCCAGACCTCGTCC-3'